The following is an entry in ClinVar:

ClinVar aggregate classification (germline): Conflicting classifications of pathogenicity. Review status: criteria provided, conflicting classifications (1 of 4 stars). 3 submissions from 3 submitters: Likely pathogenic (1); Uncertain significance (1). 1 of the submissions does not count toward it. Last evaluated 2026-01-21.

Conditions:
Hereditary cancer-predisposing syndrome. Also called: Neoplastic Syndromes, Hereditary; Hereditary neoplastic syndrome; Tumor predisposition; Hereditary Cancer Syndrome. Identifiers: Orphanet 140162, MedGen C0027672, MeSH D009386, MONDO:0015356.
Colorectal cancer, susceptibility to, 12 (CRCS12). Also called: COLORECTAL CANCER, SUSCEPTIBILITY TO, ON CHROMOSOME 12q24. Identifiers: Orphanet 220460, MedGen C3554460, MONDO:0014038, OMIM 615083.

Allele frequency attached by ClinVar (database versions not stated): gnomAD exomes below 0.00001.
gnomAD v4.1: 1 of 1,613,484 alleles (0.000062%); highest among the groups gnomAD compares: African/African-American, 0.0013%; no homozygotes.

Submissions (3):

Ambry Genetics
Classification: Uncertain significance for Hereditary cancer-predisposing syndrome. Last evaluated: 2026-01-21. Review status: criteria provided, single submitter. Criteria: Ambry Variant Classification Scheme 2023. Collection method: clinical testing. Allele origin: germline.
Comment: The c.1227-2A>T intronic variant results from an A to T substitution two nucleotides upstream from coding exon 13 in the POLE gene. This nucleotide position is highly conserved in available vertebrate species. In silico splice site analysis predicts that this alteration will weaken the native splice acceptor site and will result in the creation or strengthening of a novel splice acceptor site. Variants that disrupt the canonical splice site are expected to cause aberrant splicing, resulting in an abnormal protein or a transcript that is subject to nonsense-mediated mRNA decay. Although biallelic loss of function of POLE has been associated with autosomal recessive POLE deficiency, haploinsufficiency of POLE has not been established as a mechanism of disease for POLE-related polymerase proofreading-associated polyposis (PPAP) and POLE-related CMMRD-like syndrome. Based on the supporting evidence, this variant is expected to be causative of POLE deficiency when present along with a second pathogenic variant on the other allele; however, its clinical significance for PPAP and POLE-related CMMRD-like syndrome is unclear.

Labcorp Genetics (formerly Invitae), Labcorp
Classification: Likely pathogenic. Last evaluated: 2025-01-08. Review status: criteria provided, single submitter. Criteria: Invitae Variant Classification Sherloc (09022015). Collection method: clinical testing. Allele origin: germline.
Comment: This sequence change affects an acceptor splice site in intron 12 of the POLE gene. RNA analysis indicates that disruption of this splice site induces altered splicing and may result in an absent or altered protein product. This variant is not present in population databases (gnomAD no frequency). This variant has not been reported in the literature in individuals affected with POLE-related conditions. ClinVar contains an entry for this variant (Variation ID: 371990). Studies have shown that disruption of this splice site results in skipping of exon 13, and produces a non-functional protein and/or introduces a premature termination codon (internal data). In summary, the currently available evidence indicates that the variant is pathogenic, but additional data are needed to prove that conclusively. Therefore, this variant has been classified as Likely Pathogenic.

Counsyl
Classification: Uncertain significance for Colorectal cancer, susceptibility to, 12. Last evaluated: 2016-10-04. Review status: no assertion criteria provided. Collection method: clinical testing. Allele origin: unknown. Not counted in ClinVar's aggregate classification.

NM_006231.4(POLE):c.1227-2A>T

Gene: POLE (DNA polymerase epsilon, catalytic subunit; minus strand). Cytogenetic location: 12q24.33.
Variant type: single nucleotide variant.
Coding change: c.1227-2A>T on transcript NM_006231.4 (MANE Select); the canonical splice acceptor site of the intron before coding-DNA position 1227, A replaced by T.
Molecular consequence: splice acceptor variant.
Genome position (GRCh38, 1-based): chr12:132,673,709, T>A on the plus strand (A>T on the coding strand, the complement: POLE is on the minus strand). VCF-style: chr12-132673709-T-A. GRCh37 (hg19) VCF-style: chr12-133250295-T-A.
Identifiers: ClinVar variation 371990 (VCV000371990.9), dbSNP rs1057517609, ClinGen allele CA16042134.